The following is an entry in ClinVar:

ClinVar aggregate classification (germline): Uncertain significance (1 of 4 stars; one submission).

Conditions:
Hereditary cancer-predisposing syndrome. Also called: Neoplastic Syndromes, Hereditary; Tumor predisposition; Hereditary Cancer Syndrome; Hereditary neoplastic syndrome. Identifiers: Orphanet 140162, MedGen C0027672, MeSH D009386, MONDO:0015356.

Submission:

Ambry Genetics
Classification: Uncertain significance for Hereditary cancer-predisposing syndrome. Last evaluated: 2019-07-11. Review status: criteria provided, single submitter. Criteria: Ambry Variant Classification Scheme 2023. Collection method: clinical testing. Allele origin: germline.
Comment: The c.2080_2081delGAinsAT variant (also known as p.D694I), located in coding exon 12 of the PMS2 gene, results from an in-frame deletion of GA and insertion of AT at nucleotide positions 2080 to 2081. This results in the substitution of the aspartic acid residue for an isoleucine residue at codon 694, an amino acid with highly dissimilar properties. This amino acid position is highly conserved in available vertebrate species. In addition, this alteration is predicted to be deleterious by in silico analysis (Choi Y et al., PLoS ONE 2012; 7(10):e46688). Since supporting evidence is limited at this time, the clinical significance of this alteration remains unclear.

NM_000535.7(PMS2):c.2080_2081delinsAT (p.Asp694Ile)

Gene: PMS2 (PMS1 homolog 2, mismatch repair system component; minus strand). Cytogenetic location: 7p22.1.
Variant type: Indel.
Coding change: c.2080_2081delinsAT on transcript NM_000535.7 (MANE Select); coding-DNA positions 2080 to 2081, GA replaced by AT.
Protein change: p.Asp694Ile; replaces aspartic acid 694 with isoleucine.
Molecular consequence: missense variant. On other transcripts: non-coding transcript variant (1).
Genome position (GRCh38, 1-based): chr7:5,982,917-5,982,918, TC replaced by AT on the plus strand (GA replaced by AT on the coding strand, the reverse complement: PMS2 is on the minus strand). VCF-style: chr7-5982917-TC-AT. GRCh37 (hg19) VCF-style: chr7-6022548-TC-AT.
Other names: c.1675_1676delGAinsAT, p.Asp559Ile (NM_001406891.1, NM_001406892.1, NM_001406893.1 and 11 more transcripts); c.1615_1616delGAinsAT, p.Asp539Ile (NM_001406900.1); c.1606_1607delGAinsAT, p.Asp536Ile (NM_001406901.1, NM_001406902.1); c.1567_1568delGAinsAT, p.Asp523Ile (NM_001406904.1, NM_001406905.1); c.1519_1520delGAinsAT, p.Asp507Ile (NM_001406906.1, NM_001406907.1); c.1507_1508delGAinsAT, p.Asp503Ile (NM_001406909.1); c.1309_1310delGAinsAT, p.Asp437Ile (NM_001406911.1); c.877_878delGAinsAT, p.Asp293Ile (NM_001406912.1); and 20 more; short protein forms D383I, D539I, D638I, D437I, D523I, D536I, D586I, D588I.
Identifiers: ClinVar variation 1785552 (VCV001785552.2), dbSNP rs2535543000, ClinGen allele CA2580076835.
Genomic context (GRCh38, chr7:5,982,917, plus strand): 5'-TGCTGCAGCATCTCGAAGTTATACTTCTCGTCCGTGGCATGCTGGTCCACTATGAAGATA[TC>AT]CTCATTCAGTTTGGTTATTATAAATCCCAGGTTAAACTGACCAATGATTTCCATTTCTGC-3'
Protein context (NP_000526.2, residues 684-704): LGFIITKLNE[Asp694Ile]IFIVDQHATD